The following is an entry in ClinVar:

NM_000052.7(ATP7A):c.-22+13T>G

Gene: ATP7A (ATPase copper transporting alpha; plus strand). Cytogenetic location: Xq21.1.
Variant type: single nucleotide variant.
Coding change: c.-22+13T>G on transcript NM_000052.7 (MANE Select); 13 bases into the intron after 22 bases upstream of the start codon, T replaced by G.
Molecular consequence: intron variant.
Genome position (GRCh38, 1-based): chrX:77,910,848, T>G. VCF-style: chrX-77910848-T-G. GRCh37 (hg19) VCF-style: chrX-77166345-T-G.
Other names: c.-22+13T>G (NM_001282224.2).
Identifiers: ClinVar variation 392602 (VCV000392602.1), dbSNP rs563965187, ClinGen allele CA16609215.

ClinVar aggregate classification (germline): Likely benign (1 of 4 stars; one submission).

Allele frequency attached by ClinVar (database versions not stated): TOPMed 0.00002.
gnomAD v4.1: 1 of 112,386 alleles (0.00089%); highest among the groups gnomAD compares: Non-Finnish European, 0.0019%; no homozygotes.

Submission:

GeneDx
Classification: Likely benign. Last evaluated: 2017-01-11. Review status: criteria provided, single submitter. Criteria: GeneDx Variant Classification (06012015). Collection method: clinical testing. Allele origin: germline. Affected: yes.
Comment: This variant is considered likely benign or benign based on one or more of the following criteria: it is a conservative change, it occurs at a poorly conserved position in the protein, it is predicted to be benign by multiple in silico algorithms, and/or has population frequency not consistent with disease.